The following is an entry in ClinVar:

ClinVar aggregate classification (germline): Uncertain significance (1 of 4 stars; one submission).

Allele frequency attached by ClinVar (database versions not stated): ExAC 0.00002; gnomAD exomes 0.00002.
gnomAD v4.1: 15 of 1,614,216 alleles (0.00093%); highest among the groups gnomAD compares: Middle Eastern, 0.016%; no homozygotes.

Submission:

Labcorp Genetics (formerly Invitae), Labcorp
Classification: Uncertain significance. Last evaluated: 2021-03-24. Review status: criteria provided, single submitter. Criteria: Invitae Variant Classification Sherloc (09022015). Collection method: clinical testing. Allele origin: germline.
Comment: In summary, the available evidence is currently insufficient to determine the role of this variant in disease. Therefore, it has been classified as a Variant of Uncertain Significance. Algorithms developed to predict the effect of missense changes on protein structure and function (SIFT, PolyPhen-2, Align-GVGD) all suggest that this variant is likely to be tolerated, but these predictions have not been confirmed by published functional studies and their clinical significance is uncertain. This variant has not been reported in the literature in individuals with TAB2-related conditions. This variant is present in population databases (rs775795498, ExAC 0.02%). This sequence change replaces histidine with arginine at codon 158 of the TAB2 protein (p.His158Arg). The histidine residue is moderately conserved and there is a small physicochemical difference between histidine and arginine.

NM_001292034.3(TAB2):c.473A>G (p.His158Arg)

Gene: TAB2 (TGF-beta activated kinase 1 (MAP3K7) binding protein 2; plus strand). Cytogenetic location: 6q25.1.
Variant type: single nucleotide variant.
Coding change: c.473A>G on transcript NM_001292034.3 (MANE Select); coding-DNA position 473, A replaced by G.
Protein change: p.His158Arg; replaces histidine 158 with arginine.
Molecular consequence: missense variant.
Genome position (GRCh38, 1-based): chr6:149,378,388, A>G. VCF-style: chr6-149378388-A-G. GRCh37 (hg19) VCF-style: chr6-149699524-A-G.
Other names: c.377A>G, p.His126Arg (NM_001292035.3); c.473A>G, p.His158Arg (NM_001369506.1, NM_015093.6); short protein forms H126R, H158R.
Identifiers: ClinVar variation 1469137 (VCV001469137.8), dbSNP rs775795498, ClinGen allele CA4041409.
Genomic context (GRCh38, chr6:149,378,388, plus strand): 5'-ATGTTTTTGGAATGTCCAGTTCCTCTGGTGCTTCAAATTCAGCACCACATCTTGGATTTC[A>G]CTTAGGCAGCAAAGGAACATCTAGCCTTTCTCAACAAACTCCCAGATTTAATCCCATTAT-3'
Protein context (NP_001278963.1, residues 148-168): ASNSAPHLGF[His158Arg]LGSKGTSSLS